The following is an entry in ClinVar:

ClinVar aggregate classification (germline): Uncertain significance (1 of 4 stars; one submission).

Allele frequency attached by ClinVar (database versions not stated): gnomAD exomes below 0.00001; TOPMed below 0.00001; ExAC 0.00001; gnomAD 0.00001.
gnomAD v4.1: 2 of 1,574,724 alleles (0.00013%); highest among the groups gnomAD compares: Non-Finnish European, 0.00017%; no homozygotes.

Submission:

Labcorp Genetics (formerly Invitae), Labcorp
Classification: Uncertain significance. Last evaluated: 2022-05-05. Review status: criteria provided, single submitter. Criteria: Invitae Variant Classification Sherloc (09022015). Collection method: clinical testing. Allele origin: germline.
Comment: This sequence change replaces arginine, which is basic and polar, with glycine, which is neutral and non-polar, at codon 753 of the MYSM1 protein (p.Arg753Gly). This variant is not present in population databases (gnomAD no frequency). This variant has not been reported in the literature in individuals affected with MYSM1-related conditions. Algorithms developed to predict the effect of missense changes on protein structure and function (SIFT, PolyPhen-2, Align-GVGD) all suggest that this variant is likely to be tolerated. In summary, the available evidence is currently insufficient to determine the role of this variant in disease. Therefore, it has been classified as a Variant of Uncertain Significance.

NM_001085487.3(MYSM1):c.2257A>G (p.Arg753Gly)

Gene: MYSM1 (Myb like, SWIRM and MPN domains 1; minus strand). Cytogenetic location: 1p32.1.
Variant type: single nucleotide variant.
Coding change: c.2257A>G on transcript NM_001085487.3 (MANE Select); coding-DNA position 2257, A replaced by G.
Protein change: p.Arg753Gly; replaces arginine 753 with glycine.
Molecular consequence: missense variant.
Genome position (GRCh38, 1-based): chr1:58,661,419, T>C on the plus strand (A>G on the coding strand, the complement: MYSM1 is on the minus strand). VCF-style: chr1-58661419-T-C. GRCh37 (hg19) VCF-style: chr1-59127091-T-C.
Other names: short protein forms R753G.
Identifiers: ClinVar variation 1981742 (VCV001981742.2), dbSNP rs747337904, ClinGen allele CA877583.